The following is an entry in ClinVar:

NM_013254.4(TBK1):c.683G>A (p.Arg228His)

Gene: TBK1 (TANK binding kinase 1; plus strand). Cytogenetic location: 12q14.2.
Variant type: single nucleotide variant.
Coding change: c.683G>A on transcript NM_013254.4 (MANE Select); coding-DNA position 683, G replaced by A.
Protein change: p.Arg228His; replaces arginine 228 with histidine.
Molecular consequence: missense variant.
Genome position (GRCh38, 1-based): chr12:64,474,372, G>A. VCF-style: chr12-64474372-G-A. GRCh37 (hg19) VCF-style: chr12-64868152-G-A.
Other names: short protein forms R228H.
Identifiers: ClinVar variation 848091 (VCV000848091.10), dbSNP rs748622208, ClinGen allele CA6668865.

ClinVar aggregate classification (germline): Uncertain significance. Review status: criteria provided, multiple submitters, no conflicts (2 of 4 stars). 2 submissions from 2 submitters: Uncertain significance (2). Last evaluated 2025-11-24.

Conditions:
TBK1-related disorder. Also called: TBK1-related condition.
Frontotemporal dementia and/or amyotrophic lateral sclerosis 4. Also called: FTDALS4. Identifiers: Orphanet 275872, MedGen C4225325, MONDO:0014641, OMIM 616439.

Allele frequency attached by ClinVar (database versions not stated): ExAC 0.00001; gnomAD 0.00001; gnomAD exomes 0.00001 and 0.00002.
gnomAD v4.1: 10 of 1,611,548 alleles (0.00062%); highest among the groups gnomAD compares: Non-Finnish European, 0.00076%; no homozygotes.

Submissions (2):

Labcorp Genetics (formerly Invitae), Labcorp
Classification: Uncertain significance for Frontotemporal dementia and/or amyotrophic lateral sclerosis 4. Last evaluated: 2025-11-24. Review status: criteria provided, single submitter. Criteria: Invitae Variant Classification Sherloc (09022015). Collection method: clinical testing. Allele origin: germline.
Comment: This sequence change replaces arginine, which is basic and polar, with histidine, which is basic and polar, at codon 228 of the TBK1 protein (p.Arg228His). This variant is present in population databases (rs748622208, gnomAD 0.005%). This missense change has been observed in individual(s) with amyotrophic lateral sclerosis (PMID: 25700176, 34544842; internal data). ClinVar contains an entry for this variant (Variation ID: 848091). Invitae Evidence Modeling of protein sequence and biophysical properties (such as structural, functional, and spatial information, amino acid conservation, physicochemical variation, residue mobility, and thermodynamic stability) indicates that this missense variant is not expected to disrupt TBK1 protein function with a negative predictive value of 95%. Experimental studies have shown that this missense change affects TBK1 function (PMID: 31748271). This variant disrupts the p.Arg228 amino acid residue in TBK1. Other variant(s) that disrupt this residue have been observed in individuals with TBK1-related conditions (PMID: 32638105), which suggests that this may be a clinically significant amino acid residue. In summary, the available evidence is currently insufficient to determine the role of this variant in disease. Therefore, it has been classified as a Variant of Uncertain Significance.

PreventionGenetics, part of Exact Sciences
Classification: Uncertain significance for TBK1-related condition. Last evaluated: 2025-06-20. Review status: criteria provided, single submitter. Criteria: ACMG Guidelines, 2015. Collection method: clinical testing. Allele origin: germline.
Comment: The TBK1 c.683G>A variant is predicted to result in the amino acid substitution p.Arg228His. This variant has been reported in an individual with amyotrophic lateral sclerosis (Chen et al. 2021. PubMed ID: 34544842). Experimental studies indicate this variant effects protein function (Ye et al. 2019. PubMed ID: 31748271; Gerbino et al. 2020. PubMed ID: 32220666). This variant is reported in 0.0039% of alleles in individuals of European (non-Finnish) descent in gnomAD. Another missense variant affecting the same amino acid (p.Arg228Cys) has also been reported in an individual with ALS/frontotemporal dementia (Gromicho et al. 2020. PubMed ID: 32638105). Although we suspect that this variant may be pathogenic, at this time, the clinical significance of this variant is uncertain due to the absence of conclusive functional and genetic evidence.

Literature cited by the submitters: PubMed 25700176 (cited by Labcorp Genetics (formerly Invitae), Labcorp); PubMed 34544842 (cited by Labcorp Genetics (formerly Invitae), Labcorp); PubMed 31748271 (cited by Labcorp Genetics (formerly Invitae), Labcorp); PubMed 32638105 (cited by Labcorp Genetics (formerly Invitae), Labcorp).